The following is an entry in ClinVar:

ClinVar aggregate classification (germline): Uncertain significance (1 of 4 stars; one submission).

Submission:

GeneDx
Classification: Uncertain significance. Last evaluated: 2022-09-01. Review status: criteria provided, single submitter. Criteria: GeneDx Variant Classification Process June 2021. Collection method: clinical testing. Allele origin: germline. Affected: yes.
Comment: Not observed at significant frequency in large population cohorts (gnomAD); In silico analysis supports that this missense variant does not alter protein structure/function; Has not been previously published as pathogenic or benign to our knowledge

NM_001318852.2(MAPK8IP3):c.3916G>C (p.Glu1306Gln)

Gene: MAPK8IP3 (mitogen-activated protein kinase 8 interacting protein 3; plus strand). Cytogenetic location: 16p13.3.
Variant type: single nucleotide variant.
Coding change: c.3916G>C on transcript NM_001318852.2 (MANE Select); coding-DNA position 3916, G replaced by C.
Protein change: p.Glu1306Gln; replaces glutamic acid 1306 with glutamine.
Molecular consequence: missense variant.
Genome position (GRCh38, 1-based): chr16:1,768,726, G>C. VCF-style: chr16-1768726-G-C. GRCh37 (hg19) VCF-style: chr16-1818727-G-C.
Other names: c.3895G>C, p.Glu1299Gln (NM_001040439.2); c.3913G>C, p.Glu1305Gln (NM_015133.5, NM_033392.3); short protein forms E1299Q, E1305Q, E1306Q.
Identifiers: ClinVar variation 2442781 (VCV002442781.1), dbSNP rs2548121616, ClinGen allele CA394240181.